The following is an entry in ClinVar:

NM_001382567.1(STIM1):c.1781T>G (p.Val594Gly)

Gene: STIM1 (stromal interaction molecule 1; plus strand). Cytogenetic location: 11p15.4.
Variant type: single nucleotide variant.
Coding change: c.1781T>G on transcript NM_001382567.1 (MANE Select); coding-DNA position 1781, T replaced by G.
Protein change: p.Val594Gly; replaces valine 594 with glycine.
Molecular consequence: missense variant. On other transcripts: 3 prime UTR variant (4), non-coding transcript variant (3).
Genome position (GRCh38, 1-based): chr11:4,091,428, T>G. VCF-style: chr11-4091428-T-G. GRCh37 (hg19) VCF-style: chr11-4112658-T-G.
Other names: c.2006T>G, p.Val669Gly (NM_001277961.3); c.*102T>G (NM_001277962.2, NM_001382578.1, NM_001382579.1 and 1 more transcripts); c.1784T>G, p.Val595Gly (NM_001382566.1); c.1709T>G, p.Val570Gly (NM_001382568.1); c.1553T>G, p.Val518Gly (NM_001382569.1); c.1460T>G, p.Val487Gly (NM_001382570.1); c.1208T>G, p.Val403Gly (NM_001382571.1); c.1466T>G, p.Val489Gly (NM_001382575.1, NM_001382576.1, NM_001382577.1); and 2 more; short protein forms V400G, V403G, V487G, V489G, V518G, V563G, V570G, V594G.
Identifiers: ClinVar variation 3748061 (VCV003748061.2).
Genomic context (GRCh38, chr11:4,091,428, plus strand): 5'-CTGCAGACGAGGCTCTCAATGCCATGACTTCCAATGGCAGCCACCGGCTGATCGAGGGGG[T>G]CCACCCAGGGTCTCTGGTGGAGAAACTGCCTGACAGCCCTGCCCTGGCCAAGAAGGCATT-3'
Protein context (NP_001369496.1, residues 584-604): SNGSHRLIEG[Val594Gly]HPGSLVEKLP

ClinVar aggregate classification (germline): Uncertain significance (1 of 4 stars; one submission).

Conditions:
Stormorken syndrome (STRMK). Also called: THROMBOCYTOPATHY, ASPLENIA, AND MIOSIS. Identifiers: Orphanet 3204, MedGen C1861451, MONDO:0008497, OMIM 185070.
Myopathy with tubular aggregates (TAM). Also called: Tubular Aggregate Myopathy. Identifiers: Orphanet 2593, MedGen C0410207, MONDO:0008051.
Combined immunodeficiency due to STIM1 deficiency. Also called: STIM1 DEFICIENCY; IMMUNODEFICIENCY 10. Identifiers: Orphanet 169090, Orphanet 317430, MedGen C2748557, MONDO:0013008, OMIM 612783.

Submission:

Labcorp Genetics (formerly Invitae), Labcorp
Classification: Uncertain significance for Myopathy with tubular aggregates; Combined immunodeficiency due to STIM1 deficiency; Stormorken syndrome. Last evaluated: 2024-09-14. Review status: criteria provided, single submitter. Criteria: Invitae Variant Classification Sherloc (09022015). Collection method: clinical testing. Allele origin: germline.
Comment: This sequence change replaces valine, which is neutral and non-polar, with glycine, which is neutral and non-polar, at codon 563 of the STIM1 protein (p.Val563Gly). This variant is not present in population databases (gnomAD no frequency). This variant has not been reported in the literature in individuals affected with STIM1-related conditions. Invitae Evidence Modeling of protein sequence and biophysical properties (such as structural, functional, and spatial information, amino acid conservation, physicochemical variation, residue mobility, and thermodynamic stability) has been performed for this missense variant. However, the output from this modeling did not meet the statistical confidence thresholds required to predict the impact of this variant on STIM1 protein function. In summary, the available evidence is currently insufficient to determine the role of this variant in disease. Therefore, it has been classified as a Variant of Uncertain Significance.